The following is an entry in ClinVar:

ClinVar aggregate classification (germline): Benign (1 of 4 stars; one submission).

Allele frequency attached by ClinVar (database versions not stated): 1000 Genomes Project 0.04073; gnomAD 0.04438 and 0.04636; 1000 Genomes Project 30x 0.04450; TOPMed 0.04727.
gnomAD v4.1: 6,702 of 151,816 alleles (4.4%); highest among the groups gnomAD compares: African/African-American, 9.7%; 254 homozygotes.

Submission:

GeneDx
Classification: Benign. Last evaluated: 2018-06-14. Review status: criteria provided, single submitter. Criteria: GeneDx Variant Classification (06012015). Collection method: clinical testing. Allele origin: germline. Affected: yes.
Comment: This variant is considered likely benign or benign based on one or more of the following criteria: it is a conservative change, it occurs at a poorly conserved position in the protein, it is predicted to be benign by multiple in silico algorithms, and/or has population frequency not consistent with disease.

NM_001854.4(COL11A1):c.2143-315A>G

Gene: COL11A1 (collagen type XI alpha 1 chain; minus strand). Cytogenetic location: 1p21.1.
Variant type: single nucleotide variant.
Coding change: c.2143-315A>G on transcript NM_001854.4 (MANE Select); 315 bases into the intron before coding-DNA position 2143, A replaced by G.
Molecular consequence: intron variant.
Genome position (GRCh38, 1-based): chr1:102,998,678, T>C on the plus strand (A>G on the coding strand, the complement: COL11A1 is on the minus strand). VCF-style: chr1-102998678-T-C. GRCh37 (hg19) VCF-style: chr1-103464234-T-C.
Other names: c.2026-315A>G (NM_001190709.2); c.2179-315A>G (NM_080629.3); c.1795-315A>G (NM_080630.4).
Identifiers: ClinVar variation 681278 (VCV000681278.1), dbSNP rs2622871, ClinGen allele CA27725040.